The following is an entry in ClinVar:

NM_001378609.3(OTOGL):c.5648G>A (p.Gly1883Asp)

Gene: OTOGL (otogelin like; plus strand). Cytogenetic location: 12q21.31.
Variant type: single nucleotide variant.
Coding change: c.5648G>A on transcript NM_001378609.3 (MANE Select); coding-DNA position 5648, G replaced by A.
Protein change: p.Gly1883Asp; replaces glycine 1883 with aspartic acid.
Molecular consequence: missense variant.
Genome position (GRCh38, 1-based): chr12:80,355,790, G>A. VCF-style: chr12-80355790-G-A. GRCh37 (hg19) VCF-style: chr12-80749570-G-A.
Other names: c.5513G>A, p.Gly1838Asp (NM_001368062.3); c.5648G>A, p.Gly1883Asp (NM_001378610.3, NM_173591.7); short protein forms G1874D, G1838D, G1883D.
Identifiers: ClinVar variation 500290 (VCV000500290.9), dbSNP rs377364362, ClinGen allele CA6701775.

ClinVar aggregate classification (germline): Uncertain significance. Review status: criteria provided, multiple submitters, no conflicts (2 of 4 stars). 4 submissions from 4 submitters: Uncertain significance (4). Last evaluated 2026-05-19.

Conditions:
OTOGL-related disorder. Also called: OTOGL-related condition.
Inborn genetic diseases. Identifiers: MedGen C0950123, MeSH D030342.

Allele frequency attached by ClinVar (database versions not stated): TOPMed 0.00011; gnomAD 0.00014 and 0.00017; 1000 Genomes Project 30x 0.00016; gnomAD exomes 0.00018 and 0.00027; 1000 Genomes Project 0.00020; ESP Exome Variant Server 0.00025; ExAC 0.00032.
gnomAD v4.1: 303 of 1,613,788 alleles (0.019%); highest among the groups gnomAD compares: Middle Eastern, 0.28%; 1 homozygote.

Submissions (4):

PreventionGenetics, part of Exact Sciences
Classification: Uncertain significance for OTOGL-related condition. Last evaluated: 2026-05-19. Review status: criteria provided, single submitter. Criteria: ACMG Guidelines, 2015. Collection method: clinical testing. Allele origin: germline.
Comment: The OTOGL c.5621G>A variant is predicted to result in the amino acid substitution p.Gly1874Asp. To our knowledge, this variant has not been reported in the literature. This variant is reported in 0.13% of alleles in individuals of South Asian descent in gnomAD. Although we suspect that this variant may be benign, at this time, the clinical significance of this variant is uncertain due to the absence of conclusive functional and genetic evidence.

Blueprint Genetics
Classification: Uncertain significance. Last evaluated: 2024-05-03. Review status: criteria provided, single submitter. Criteria: ACMG Guidelines, 2015. Collection method: clinical testing. Allele origin: germline.

Eurofins Ntd Llc (ga)
Classification: Uncertain significance. Last evaluated: 2017-03-02. Review status: criteria provided, single submitter. Criteria: EGL Classification Definitions 2015. Collection method: clinical testing. Allele origin: germline. Observed: 1 variant allele, 1 heterozygote.

Ambry Genetics
Classification: Uncertain significance for Inborn genetic diseases. Last evaluated: 2015-09-18. Review status: criteria provided, single submitter. Criteria: Ambry exome assertion method (8-5-2015). Collection method: clinical testing. Allele origin: germline. Affected: yes. Observed: 1 variant allele.